The following is an entry in ClinVar:

NM_001199753.2(CPT1C):c.1401C>T (p.Ser467=)

Gene: CPT1C (carnitine palmitoyltransferase 1C; plus strand). Cytogenetic location: 19q13.33.
Variant type: single nucleotide variant.
Coding change: c.1401C>T on transcript NM_001199753.2 (MANE Select); coding-DNA position 1401, C replaced by T.
Protein change: p.Ser467=; no amino-acid change (serine 467 retained).
Molecular consequence: synonymous variant. On other transcripts: non-coding transcript variant (1).
Genome position (GRCh38, 1-based): chr19:49,707,575, C>T. VCF-style: chr19-49707575-C-T. GRCh37 (hg19) VCF-style: chr19-50210832-C-T.
Other names: p.Ser456=; c.1368C>T, p.Ser456= (NM_001136052.3, NM_001378485.1, NM_001378487.1); c.1401C>T, p.Ser467= (NM_001199752.3, NM_001378483.1, NM_001378484.1 and 3 more transcripts); c.1467C>T, p.Ser489= (NM_001378482.1).
Identifiers: ClinVar variation 476169 (VCV000476169.14), dbSNP rs144722270, ClinGen allele CA9582169.
Genomic context (GRCh38, chr19:49,707,575, plus strand): 5'-CAGCTGGTTTGACAAATCCTTCACCCTAATCGTCTTCTCTAACGGGAAGCTGGGCCTCAG[C>T]GTGGAGCACTCCTGGGCCGACTGCCCCATCTCAGGACACATGTGGGAGGTAGGGCGGCCA-3'
Protein context (NP_001186682.1, residues 457-477): IVFSNGKLGL[Ser467=]VEHSWADCPI

ClinVar aggregate classification (germline): Benign/Likely benign. Review status: criteria provided, multiple submitters, no conflicts (2 of 4 stars). 3 submissions from 3 submitters: Benign (2); Likely benign (1). Last evaluated 2026-01-12.

Conditions:
Hereditary spastic paraplegia 73. Also called: Spastic paraplegia 73, autosomal dominant. Identifiers: Orphanet 444099, MedGen C5568981, MONDO:0014568, OMIM 616282.

Allele frequency attached by ClinVar (database versions not stated): 1000 Genomes Project 30x 0.00047; 1000 Genomes Project 0.00060; gnomAD 0.00170 and 0.00172; ExAC 0.00182; TOPMed 0.00186; gnomAD exomes 0.00189 and 0.00263; ESP Exome Variant Server 0.00200.
gnomAD v4.1: 4,124 of 1,613,920 alleles (0.26%); highest among the groups gnomAD compares: Non-Finnish European, 0.29%; 8 homozygotes.

Submissions (3):

Labcorp Genetics (formerly Invitae), Labcorp
Classification: Benign for Hereditary spastic paraplegia 73. Last evaluated: 2026-01-12. Review status: criteria provided, single submitter. Criteria: Invitae Variant Classification Sherloc (09022015). Collection method: clinical testing. Allele origin: germline.

Mayo Clinic Laboratories, Mayo Clinic
Classification: Likely benign. Last evaluated: 2025-02-28. Review status: criteria provided, single submitter. Criteria: ACMG Guidelines, 2015. Collection method: clinical testing. Allele origin: germline. Observed: 3 variant alleles.
Comment: BS1

Breakthrough Genomics
Classification: Benign. Review status: criteria provided, single submitter. Criteria: ACMG Guidelines, 2015. Collection method: not provided. Allele origin: germline. Inheritance: Autosomal dominant inheritance. Affected: yes.